The following is an entry in ClinVar:

ClinVar aggregate classification (germline): Uncertain significance. Review status: criteria provided, multiple submitters, no conflicts (2 of 4 stars). 2 submissions from 2 submitters: Uncertain significance (2). Last evaluated 2026-09-14.

Conditions:
EGFR-related lung cancer (EGFR). Identifiers: MedGen CN130014.
Hereditary cancer-predisposing syndrome. Also called: Tumor predisposition; Hereditary Cancer Syndrome; Hereditary neoplastic syndrome; Neoplastic Syndromes, Hereditary. Identifiers: Orphanet 140162, MedGen C0027672, MeSH D009386, MONDO:0015356.

Allele frequency attached by ClinVar (database versions not stated): gnomAD 0.00001 and 0.00002; gnomAD exomes below 0.00001; ExAC 0.00001; TOPMed 0.00002.
gnomAD v4.1: 6 of 1,613,854 alleles (0.00037%); highest among the groups gnomAD compares: African/African-American, 0.004%; no homozygotes.

Submissions (2):

Ambry Genetics
Classification: Uncertain significance for Hereditary cancer-predisposing syndrome. Last evaluated: 2026-09-14. Review status: criteria provided, single submitter. Criteria: Ambry Variant Classification Scheme 2023. Collection method: clinical testing. Allele origin: germline.
Comment: The p.D837N variant (also known as c.2509G>A), located in coding exon 21 of the EGFR gene, results from a G to A substitution at nucleotide position 2509. The aspartic acid at codon 837 is replaced by asparagine, an amino acid with highly similar properties. This amino acid position is highly conserved in available vertebrate species. In addition, the in silico prediction for this alteration is inconclusive. Based on the available evidence, the clinical significance of this variant remains unclear.

Labcorp Genetics (formerly Invitae), Labcorp
Classification: Uncertain significance for EGFR-related lung cancer. Last evaluated: 2025-04-02. Review status: criteria provided, single submitter. Criteria: Invitae Variant Classification Sherloc (09022015). Collection method: clinical testing. Allele origin: germline.
Comment: This sequence change replaces aspartic acid, which is acidic and polar, with asparagine, which is neutral and polar, at codon 837 of the EGFR protein (p.Asp837Asn). This variant is present in population databases (rs761920220, gnomAD 0.007%). This variant has not been reported in the literature in individuals affected with EGFR-related conditions. ClinVar contains an entry for this variant (Variation ID: 1014793). Invitae Evidence Modeling of protein sequence and biophysical properties (such as structural, functional, and spatial information, amino acid conservation, physicochemical variation, residue mobility, and thermodynamic stability) indicates that this missense variant is not expected to disrupt EGFR protein function with a negative predictive value of 80%. Experimental studies are conflicting or provide insufficient evidence to determine the effect of this variant on EGFR function (PMID: 26280531). In summary, the available evidence is currently insufficient to determine the role of this variant in disease. Therefore, it has been classified as a Variant of Uncertain Significance.

Literature cited by the submitters: PubMed 26280531 (cited by Labcorp Genetics (formerly Invitae), Labcorp).

NM_005228.5(EGFR):c.2509G>A (p.Asp837Asn)

Gene: EGFR (epidermal growth factor receptor; plus strand). Cytogenetic location: 7p11.2.
Variant type: single nucleotide variant.
Coding change: c.2509G>A on transcript NM_005228.5 (MANE Select); coding-DNA position 2509, G replaced by A.
Protein change: p.Asp837Asn; replaces aspartic acid 837 with asparagine.
Molecular consequence: missense variant.
Genome position (GRCh38, 1-based): chr7:55,191,758, G>A. VCF-style: chr7-55191758-G-A. GRCh37 (hg19) VCF-style: chr7-55259451-G-A.
Other names: c.2374G>A, p.Asp792Asn (NM_001346897.2, NM_001346899.2); c.2509G>A, p.Asp837Asn (NM_001346898.2); c.2350G>A, p.Asp784Asn (NM_001346900.2); c.1708G>A, p.Asp570Asn (NM_001346941.2); c.2509G>A (NM_005228.3); short protein forms D570N, D784N, D792N, D837N.
Identifiers: ClinVar variation 1014793 (VCV001014793.11), dbSNP rs761920220, ClinGen allele CA4266110.